The following is an entry in ClinVar:

NM_000275.3(OCA2):c.1714C>T (p.Arg572Cys)

Gene: OCA2 (OCA2 melanosomal transmembrane protein; minus strand). Cytogenetic location: 15q13.1.
Variant type: single nucleotide variant.
Coding change: c.1714C>T on transcript NM_000275.3 (MANE Select); coding-DNA position 1714, C replaced by T.
Protein change: p.Arg572Cys; replaces arginine 572 with cysteine.
Molecular consequence: missense variant.
Genome position (GRCh38, 1-based): chr15:27,957,658, G>A on the plus strand (C>T on the coding strand, the complement: OCA2 is on the minus strand). VCF-style: chr15-27957658-G-A. GRCh37 (hg19) VCF-style: chr15-28202804-G-A.
Other names: c.1642C>T, p.Arg548Cys (NM_001300984.2); short protein forms R572C, R548C.
Identifiers: ClinVar variation 2177243 (VCV002177243.7), dbSNP rs374415755, ClinGen allele CA7438939.

ClinVar aggregate classification (germline): Pathogenic/Likely pathogenic. Review status: criteria provided, multiple submitters, no conflicts (2 of 4 stars). 3 submissions from 3 submitters: Pathogenic (1); Likely pathogenic (2). Last evaluated 2025-09-03.

Conditions:
SKIN/HAIR/EYE PIGMENTATION 1, BLUE/NONBLUE EYES (SHEP1). Also called: BROWN EYE COLOR 2; EYE COLOR 3; EYE COLOR, BLUE/NONBLUE; EYE COLOR, BROWN/BLUE; HAIR COLOR 3; SKIN/HAIR/EYE PIGMENTATION 1, BLOND/BROWN HAIR. Identifiers: MedGen C1856895, OMIM 227220.
Tyrosinase-positive oculocutaneous albinism (OCA2). Also called: Oculocutaneous albinism type 2; ALBINISM II; Albinism, oculocutaneous, type II. Identifiers: Orphanet 79432, MedGen C0268495, MONDO:0008746, OMIM 203200.

Allele frequency attached by ClinVar (database versions not stated): gnomAD 0.00003; gnomAD exomes 0.00004; TOPMed 0.00005; ExAC 0.00007; ESP Exome Variant Server 0.00015.
gnomAD v4.1: 60 of 1,612,914 alleles (0.0037%); highest among the groups gnomAD compares: Middle Eastern, 0.033%; no homozygotes.

Submissions (3):

Labcorp Genetics (formerly Invitae), Labcorp
Classification: Pathogenic. Last evaluated: 2025-09-03. Review status: criteria provided, single submitter. Criteria: Invitae Variant Classification Sherloc (09022015). Collection method: clinical testing. Allele origin: germline.
Comment: This sequence change replaces arginine, which is basic and polar, with cysteine, which is neutral and slightly polar, at codon 572 of the OCA2 protein (p.Arg572Cys). This variant is present in population databases (rs374415755, gnomAD 0.03%). This missense change has been observed in individual(s) with oculocutaneous albinism (PMID: 31077556, 31196117, 34838614). In at least one individual the data is consistent with being in trans (on the opposite chromosome) from a pathogenic variant. ClinVar contains an entry for this variant (Variation ID: 2177243). Invitae Evidence Modeling of protein sequence and biophysical properties (such as structural, functional, and spatial information, amino acid conservation, physicochemical variation, residue mobility, and thermodynamic stability) indicates that this missense variant is not expected to disrupt OCA2 protein function with a negative predictive value of 80%. This variant disrupts the p.Arg572 amino acid residue in OCA2. Other variant(s) that disrupt this residue have been determined to be pathogenic (PMID: 29345414). This suggests that this residue is clinically significant, and that variants that disrupt this residue are likely to be disease-causing. For these reasons, this variant has been classified as Pathogenic.

Fulgent Genetics
Classification: Likely pathogenic for Tyrosinase-positive oculocutaneous albinism; SKIN/HAIR/EYE PIGMENTATION 1, BLUE/NONBLUE EYES. Last evaluated: 2024-05-15. Review status: criteria provided, single submitter. Criteria: ACMG Guidelines, 2015. Collection method: clinical testing. Allele origin: germline.

Baylor Genetics
Classification: Likely pathogenic for SKIN/HAIR/EYE PIGMENTATION 1, BLUE/NONBLUE EYES. Last evaluated: 2024-01-10. Review status: criteria provided, single submitter. Criteria: ACMG Guidelines, 2015. Collection method: clinical testing. Allele origin: unknown.

Literature cited by the submitters: PubMed 31077556 (cited by Labcorp Genetics (formerly Invitae), Labcorp); PubMed 31196117 (cited by Labcorp Genetics (formerly Invitae), Labcorp); PubMed 34838614 (cited by Labcorp Genetics (formerly Invitae), Labcorp); PubMed 29345414 (cited by Labcorp Genetics (formerly Invitae), Labcorp).